The following is an entry in ClinVar:

NM_001005242.3(PKP2):c.464dup (p.Ser155fs)

Gene: PKP2 (plakophilin 2; minus strand). Cytogenetic location: 12p11.21.
Variant type: Duplication.
Coding change: c.464dup on transcript NM_001005242.3 (MANE Select); coding-DNA position 464, one base duplicated (G; older notation c.464dupG).
Protein change: p.Ser155fs; shifts the reading frame from serine 155.
Molecular consequence: frameshift variant.
Genome position (GRCh38, 1-based): chr12:32,878,416, C duplicated on the plus strand (G on the coding strand, the reverse complement: PKP2 is on the minus strand). VCF-style (leftmost placement, unchanged base first): chr12-32878415-G-GC. GRCh37 (hg19) VCF-style: chr12-33031349-G-GC.
Other names: c.464dup, p.Ser155fs (NM_004572.4); short protein forms S155fs.
Identifiers: ClinVar variation 1394074 (VCV001394074.6), dbSNP rs2137950376, ClinGen allele CA2573148524.

ClinVar aggregate classification (germline): Pathogenic (1 of 4 stars; one submission).

Conditions:
Arrhythmogenic right ventricular dysplasia 9 (ARVD9). Also called: ARRHYTHMOGENIC RIGHT VENTRICULAR DYSPLASIA, FAMILIAL, 9; Arrhythmogenic Right Ventricular Dysplasia/Cardiomyopathy 9. Identifiers: MedGen C1836906, MONDO:0012180, OMIM 609040.

Submission:

Labcorp Genetics (formerly Invitae), Labcorp
Classification: Pathogenic for Arrhythmogenic right ventricular dysplasia 9. Last evaluated: 2022-07-19. Review status: criteria provided, single submitter. Criteria: Invitae Variant Classification Sherloc (09022015). Collection method: clinical testing. Allele origin: germline.
Comment: ClinVar contains an entry for this variant (Variation ID: 1394074). For these reasons, this variant has been classified as Pathogenic. Algorithms developed to predict the effect of sequence changes on RNA splicing suggest that this variant may create or strengthen a splice site. This variant has not been reported in the literature in individuals affected with PKP2-related conditions. This variant is not present in population databases (gnomAD no frequency). This sequence change creates a premature translational stop signal (p.Ser155Argfs*61) in the PKP2 gene. It is expected to result in an absent or disrupted protein product. Loss-of-function variants in PKP2 are known to be pathogenic (PMID: 15489853, 23911551).

Literature cited by the submitters: PubMed 15489853; PubMed 23911551.